The following is an entry in ClinVar:

NM_005035.4(POLRMT):c.1190A>T (p.Gln397Leu)

Gene: POLRMT (RNA polymerase mitochondrial; minus strand). Cytogenetic location: 19p13.3.
Variant type: single nucleotide variant.
Coding change: c.1190A>T on transcript NM_005035.4 (MANE Select); coding-DNA position 1190, A replaced by T.
Protein change: p.Gln397Leu; replaces glutamine 397 with leucine.
Molecular consequence: missense variant. On other transcripts: non-coding transcript variant (1).
Genome position (GRCh38, 1-based): chr19:623,554, T>A on the plus strand (A>T on the coding strand, the complement: POLRMT is on the minus strand). VCF-style: chr19-623554-T-A. GRCh37 (hg19) VCF-style: chr19-623554-T-A.
Other names: c.866A>T, p.Gln289Leu (NM_001407831.1, NM_001407833.1, NM_001407834.1 and 2 more transcripts); c.1190A>T, p.Gln397Leu (NM_001407832.1, NM_001407805.1, NM_001407806.1 and 10 more transcripts); c.1148A>T, p.Gln383Leu (NM_001407811.1, NM_001407813.1); short protein forms Q289L, Q383L, Q397L.
Identifiers: ClinVar variation 4886646 (VCV004886646.2).

ClinVar aggregate classification (germline): Uncertain significance (1 of 4 stars; one submission).

gnomAD v4.1: 1 of 1,613,654 alleles (0.000062%); highest among the groups gnomAD compares: African/African-American, 0.0013%; no homozygotes.

Submission:

Dasa
Classification: Uncertain significance. Last evaluated: 2025-07-24. Review status: criteria provided, single submitter. Criteria: DASA Assertion Criteria. Collection method: clinical testing. Allele origin: germline.
Comment: NM_005035.4(POLRMT):c.1190A>T (p.Gln397Leu) is a missense variant that results in the substitution of glutamine with leucine. This variant is rare in population databases. Computational prediction algorithms are consistent with a benign effect. The currently available literature and clinical evidence are not sufficient to establish a definitive association between this variant and the reported condition. Therefore, this variant is classified as a variant of uncertain significance.